The following is an entry in ClinVar:

ClinVar aggregate classification (germline): Uncertain significance (1 of 4 stars; one submission).

Conditions:
Fanconi anemia complementation group E (FANCE). Also called: FANCE-Related Fanconi Anemia. Identifiers: Orphanet 84, MedGen C3160739, MONDO:0010953, OMIM 600901.

Submission:

Labcorp Genetics (formerly Invitae), Labcorp
Classification: Uncertain significance for Fanconi anemia complementation group E. Last evaluated: 2019-01-29. Review status: criteria provided, single submitter. Criteria: Invitae Variant Classification Sherloc (09022015). Collection method: clinical testing. Allele origin: germline.
Comment: This variant has not been reported in the literature in individuals with FANCE-related conditions. Algorithms developed to predict the effect of missense changes on protein structure and function (SIFT, PolyPhen-2, Align-GVGD) all suggest that this variant is likely to be tolerated, but these predictions have not been confirmed by published functional studies and their clinical significance is uncertain. In summary, the available evidence is currently insufficient to determine the role of this variant in disease. Therefore, it has been classified as a Variant of Uncertain Significance. The frequency data for this variant in the population databases is considered unreliable, as metrics indicate insufficient coverage at this position in the ExAC database. This sequence change replaces aspartic acid with valine at codon 5 of the FANCE protein (p.Asp5Val). The aspartic acid residue is weakly conserved and there is a large physicochemical difference between aspartic acid and valine.

NM_021922.3(FANCE):c.14A>T (p.Asp5Val)

Genes: FANCE (FA complementation group E; plus strand), LOC129996245 (ATAC-STARR-seq lymphoblastoid silent region 17092; plus strand). Cytogenetic location: 6p21.31.
Variant type: single nucleotide variant.
Coding change: c.14A>T on transcript NM_021922.3 (MANE Select); coding-DNA position 14, A replaced by T.
Protein change: p.Asp5Val; replaces aspartic acid 5 with valine.
Molecular consequence: missense variant.
Genome position (GRCh38, 1-based): chr6:35,452,559, A>T. VCF-style: chr6-35452559-A-T. GRCh37 (hg19) VCF-style: chr6-35420336-A-T.
Other names: short protein forms D5V.
Identifiers: ClinVar variation 847695 (VCV000847695.10), dbSNP rs1767146702, ClinGen allele CA363769667.